The following is an entry in ClinVar:

ClinVar aggregate classification (germline): Uncertain significance (1 of 4 stars; one submission).

Conditions:
Idiopathic generalized epilepsy. Also called: EIG; Generalised epilepsy. Identifiers: MedGen C0270850, MONDO:0005579, OMIM 600669.
Hyperaldosteronism, familial, type IV (HALD4). Also called: FH IV; ALDOSTERONISM, PRIMARY, AND HYPERTENSION. Identifiers: Orphanet 642671, MedGen C4310756, MONDO:0014875, OMIM 617027.

gnomAD v4.1: 2 of 1,612,798 alleles (0.00012%); highest among the groups gnomAD compares: African/African-American, 0.0013%; no homozygotes.

Submission:

Labcorp Genetics (formerly Invitae), Labcorp
Classification: Uncertain significance for Idiopathic generalized epilepsy; Hyperaldosteronism, familial, type IV. Last evaluated: 2025-01-20. Review status: criteria provided, single submitter. Criteria: Invitae Variant Classification Sherloc (09022015). Collection method: clinical testing. Allele origin: germline.
Comment: This sequence change replaces lysine, which is basic and polar, with arginine, which is basic and polar, at codon 1417 of the CACNA1H protein (p.Lys1417Arg). This variant is present in population databases (rs750944027, gnomAD 0.003%). This variant has not been reported in the literature in individuals affected with CACNA1H-related conditions. Invitae Evidence Modeling of protein sequence and biophysical properties (such as structural, functional, and spatial information, amino acid conservation, physicochemical variation, residue mobility, and thermodynamic stability) indicates that this missense variant is expected to disrupt CACNA1H protein function with a positive predictive value of 80%. In summary, the available evidence is currently insufficient to determine the role of this variant in disease. Therefore, it has been classified as a Variant of Uncertain Significance.

NM_021098.3(CACNA1H):c.4250A>G (p.Lys1417Arg)

Gene: CACNA1H (calcium voltage-gated channel subunit alpha1 H; plus strand). Cytogenetic location: 16p13.3.
Variant type: single nucleotide variant.
Coding change: c.4250A>G on transcript NM_021098.3 (MANE Select); coding-DNA position 4250, A replaced by G.
Protein change: p.Lys1417Arg; replaces lysine 1417 with arginine.
Molecular consequence: missense variant.
Genome position (GRCh38, 1-based): chr16:1,211,194, A>G. VCF-style: chr16-1211194-A-G. GRCh37 (hg19) VCF-style: chr16-1261194-A-G.
Other names: c.4250A>G, p.Lys1417Arg (NM_001005407.2); short protein forms K1417R.
Identifiers: ClinVar variation 3760980 (VCV003760980.2).